The following is an entry in ClinVar:

ClinVar aggregate classification (germline): Uncertain significance (1 of 4 stars; one submission).

Conditions:
Dilated cardiomyopathy 1O (CMD1O). Also called: CARDIOMYOPATHY, DILATED, WITH VENTRICULAR TACHYCARDIA. Identifiers: Orphanet 154, MedGen C1837839, MONDO:0012062, OMIM 608569.

Submission:

Labcorp Genetics (formerly Invitae), Labcorp
Classification: Uncertain significance for Dilated cardiomyopathy 1O. Last evaluated: 2021-05-03. Review status: criteria provided, single submitter. Criteria: Invitae Variant Classification Sherloc (09022015). Collection method: clinical testing. Allele origin: germline.
Comment: Experimental studies and prediction algorithms are not available or were not evaluated, and the functional significance of this variant is currently unknown. In summary, the available evidence is currently insufficient to determine the role of this variant in disease. Therefore, it has been classified as a Variant of Uncertain Significance. This variant has not been reported in the literature in individuals with ABCC9-related conditions. The frequency data for this variant in the population databases is not available, as this variant may be reported as separate entries in the ExAC database. This sequence change replaces phenylalanine with leucine at codon 1153 of the ABCC9 protein (p.Phe1153Leu). The phenylalanine residue is moderately conserved and there is a small physicochemical difference between phenylalanine and leucine.

NM_020297.4(ABCC9):c.3459_3460delinsAA (p.Phe1153Leu)

Gene: ABCC9 (ATP binding cassette subfamily C member 9; minus strand). Cytogenetic location: 12p12.1.
Variant type: Indel.
Coding change: c.3459_3460delinsAA on transcript NM_020297.4 (MANE Select); coding-DNA positions 3459 to 3460, TC replaced by AA.
Protein change: p.Phe1153Leu; replaces phenylalanine 1153 with leucine.
Molecular consequence: missense variant.
Genome position (GRCh38, 1-based): chr12:21,842,327-21,842,328, GA replaced by TT on the plus strand (TC replaced by AA on the coding strand, the reverse complement: ABCC9 is on the minus strand). VCF-style: chr12-21842327-GA-TT. GRCh37 (hg19) VCF-style: chr12-21995261-GA-TT.
Other names: c.3459_3460delinsAA, p.Phe1153Leu (NM_001377273.1, NM_005691.4); c.2592_2593delinsAA, p.Phe864Leu (NM_001377274.1); short protein forms F1153L, F864L.
Identifiers: ClinVar variation 1350845 (VCV001350845.6), dbSNP rs2137370806, ClinGen allele CA2573148549.